The following is an entry in ClinVar:

NM_016507.4(CDK12):c.4339A>G (p.Thr1447Ala)

Gene: CDK12 (cyclin dependent kinase 12; plus strand). Cytogenetic location: 17q12.
Variant type: single nucleotide variant.
Coding change: c.4339A>G on transcript NM_016507.4 (MANE Select); coding-DNA position 4339, A replaced by G.
Protein change: p.Thr1447Ala; replaces threonine 1447 with alanine.
Molecular consequence: missense variant.
Genome position (GRCh38, 1-based): chr17:39,531,182, A>G. VCF-style: chr17-39531182-A-G. GRCh37 (hg19) VCF-style: chr17-37687435-A-G.
Other names: c.4312A>G, p.Thr1438Ala (NM_015083.4); short protein forms T1438A, T1447A.
Identifiers: ClinVar variation 3830493 (VCV003830493.1).
Genomic context (GRCh38, chr17:39,531,182, plus strand): 5'-AGCAATTCTGTGGTACATGCAGAGACCAAATTGCAAAACTATGGGGAGCTGGGGCCAGGA[A>G]CCACTGGGGCCAGCAGCTCAGGAGCAGGCCTTCACTGGGGGGGCCCAACTCAGTCTTCTG-3'
Protein context (NP_057591.2, residues 1437-1457): LQNYGELGPG[Thr1447Ala]TGASSSGAGL

ClinVar aggregate classification (germline): Uncertain significance (1 of 4 stars; one submission).

Submission:

Ambry Genetics
Classification: Uncertain significance. Last evaluated: 2025-01-13. Review status: criteria provided, single submitter. Criteria: Ambry Variant Classification Scheme 2023. Collection method: clinical testing. Allele origin: germline.
Comment: The p.T1447A variant (also known as c.4339A>G), located in coding exon 14 of the CDK12 gene, results from an A to G substitution at nucleotide position 4339. The threonine at codon 1447 is replaced by alanine, an amino acid with similar properties. This amino acid position is conserved. In addition, this alteration is predicted to be tolerated by in silico analysis. Based on the available evidence, the clinical significance of this variant remains unclear.